The following is an entry in ClinVar:

ClinVar aggregate classification (germline): Uncertain significance (1 of 4 stars; one submission).

Submission:

Women's Health and Genetics/Laboratory Corporation of America, LabCorp
Classification: Uncertain significance. Last evaluated: 2025-09-18. Review status: criteria provided, single submitter. Criteria: LabCorp Variant Classification Summary - May 2015. Collection method: clinical testing. Allele origin: germline.
Comment: Variant summary: HEATR5B c.5031A>T (p.Gln1677His) results in a non-conservative amino acid change in the encoded protein sequence. Algorithms developed to predict the effect of missense changes on protein structure and function are either unavailable or do not agree on the potential impact of this missense change. The variant was absent in 247570 control chromosomes. The available data on variant occurrences in the general population are insufficient to allow any conclusion about variant significance. To our knowledge, no occurrence of c.5031A>T in individuals affected with HEATR5B-related conditions and no experimental evidence demonstrating its impact on protein function have been reported. No submitters have cited clinical-significance assessments for this variant to ClinVar. Based on the evidence outlined above, the variant was classified as uncertain significance.

NM_019024.3(HEATR5B):c.5031A>T (p.Gln1677His)

Gene: HEATR5B (HEAT repeat containing 5B; minus strand). Cytogenetic location: 2p22.2.
Variant type: single nucleotide variant.
Coding change: c.5031A>T on transcript NM_019024.3 (MANE Select); coding-DNA position 5031, A replaced by T.
Protein change: p.Gln1677His; replaces glutamine 1677 with histidine.
Molecular consequence: missense variant.
Genome position (GRCh38, 1-based): chr2:37,003,561, T>A on the plus strand (A>T on the coding strand, the complement: HEATR5B is on the minus strand). VCF-style: chr2-37003561-T-A. GRCh37 (hg19) VCF-style: chr2-37230704-T-A.
Other names: short protein forms Q1677H.
Identifiers: ClinVar variation 4536131 (VCV004536131.1).